The following is an entry in ClinVar:

ClinVar aggregate classification (germline): Likely benign (1 of 4 stars; one submission).

Submission:

CeGaT Center for Human Genetics Tuebingen
Classification: Likely benign. Last evaluated: 2023-11-01. Review status: criteria provided, single submitter. Criteria: CeGaT Center For Human Genetics Tuebingen Variant Classification Criteria Version 2. Collection method: clinical testing. Allele origin: germline. Affected: yes. Observed: 2 variant alleles.
Comment: PPP2R1A: PM2:Supporting, BP4, BP7

NM_014225.6(PPP2R1A):c.828T>G (p.Pro276=)

Gene: PPP2R1A (protein phosphatase 2 scaffold subunit Aalpha; plus strand). Cytogenetic location: 19q13.41.
Variant type: single nucleotide variant.
Coding change: c.828T>G on transcript NM_014225.6 (MANE Select); coding-DNA position 828, T replaced by G.
Protein change: p.Pro276=; no amino-acid change (proline 276 retained).
Molecular consequence: synonymous variant. On other transcripts: non-coding transcript variant (1).
Genome position (GRCh38, 1-based): chr19:52,215,799, T>G. VCF-style: chr19-52215799-T-G. GRCh37 (hg19) VCF-style: chr19-52719052-T-G.
Other names: c.291T>G, p.Pro97= (NM_001363656.2).
Identifiers: ClinVar variation 2498796 (VCV002498796.28), dbSNP rs1978533499, ClinGen allele CA508635342.